The following is an entry in ClinVar:

NM_139027.6(ADAMTS13):c.3154G>A (p.Glu1052Lys)

Gene: ADAMTS13 (ADAM metallopeptidase with thrombospondin type 1 motif 13; plus strand). Cytogenetic location: 9q34.2.
Variant type: single nucleotide variant.
Coding change: c.3154G>A on transcript NM_139027.6 (MANE Select); coding-DNA position 3154, G replaced by A.
Protein change: p.Glu1052Lys; replaces glutamic acid 1052 with lysine.
Molecular consequence: missense variant. On other transcripts: non-coding transcript variant (1).
Genome position (GRCh38, 1-based): chr9:133,454,524, G>A. VCF-style: chr9-133454524-G-A. GRCh37 (hg19) VCF-style: chr9-136319646-G-A.
Other names: c.3154G>A, p.Glu1052Lys (NM_139025.5); c.3061G>A, p.Glu1021Lys (NM_139026.6); short protein forms E1021K, E1052K.
Identifiers: ClinVar variation 1928305 (VCV001928305.2), dbSNP rs1588206494, ClinGen allele CA375410550.

ClinVar aggregate classification (germline): Uncertain significance (1 of 4 stars; one submission).

Allele frequency attached by ClinVar (database versions not stated): gnomAD exomes 0.00001.

Submission:

Labcorp Genetics (formerly Invitae), Labcorp
Classification: Uncertain significance. Last evaluated: 2022-04-03. Review status: criteria provided, single submitter. Criteria: Invitae Variant Classification Sherloc (09022015). Collection method: clinical testing. Allele origin: germline.
Comment: This sequence change replaces glutamic acid, which is acidic and polar, with lysine, which is basic and polar, at codon 1052 of the ADAMTS13 protein (p.Glu1052Lys). This variant is not present in population databases (gnomAD no frequency). This variant has not been reported in the literature in individuals affected with ADAMTS13-related conditions. Algorithms developed to predict the effect of missense changes on protein structure and function (SIFT, PolyPhen-2, Align-GVGD) all suggest that this variant is likely to be tolerated. In summary, the available evidence is currently insufficient to determine the role of this variant in disease. Therefore, it has been classified as a Variant of Uncertain Significance.